The following is an entry in ClinVar:

NM_001034850.3(RETREG1):c.832A>G (p.Lys278Glu)

Gene: RETREG1 (reticulophagy regulator 1; minus strand). Cytogenetic location: 5p15.1.
Variant type: single nucleotide variant.
Coding change: c.832A>G on transcript NM_001034850.3 (MANE Select); coding-DNA position 832, A replaced by G.
Protein change: p.Lys278Glu; replaces lysine 278 with glutamic acid.
Molecular consequence: missense variant.
Genome position (GRCh38, 1-based): chr5:16,478,075, T>C on the plus strand (A>G on the coding strand, the complement: RETREG1 is on the minus strand). VCF-style: chr5-16478075-T-C. GRCh37 (hg19) VCF-style: chr5-16478184-T-C.
Other names: c.409A>G, p.Lys137Glu (NM_019000.5); short protein forms K278E, K137E.
Identifiers: ClinVar variation 651546 (VCV000651546.8), dbSNP rs1268915345, ClinGen allele CA359258229.

ClinVar aggregate classification (germline): Uncertain significance (1 of 4 stars; one submission).

Allele frequency attached by ClinVar (database versions not stated): gnomAD exomes below 0.00001; TOPMed below 0.00001.
gnomAD v4.1: 1 of 1,611,192 alleles (0.000062%); highest among the groups gnomAD compares: African/African-American, 0.0013%; no homozygotes.

Submission:

Labcorp Genetics (formerly Invitae), Labcorp
Classification: Uncertain significance. Last evaluated: 2018-11-07. Review status: criteria provided, single submitter. Criteria: Invitae Variant Classification Sherloc (09022015). Collection method: clinical testing. Allele origin: germline.
Comment: In summary, the available evidence is currently insufficient to determine the role of this variant in disease. Therefore, it has been classified as a Variant of Uncertain Significance. Algorithms developed to predict the effect of missense changes on protein structure and function (SIFT, PolyPhen-2, Align-GVGD) all suggest that this variant is likely to be tolerated, but these predictions have not been confirmed by published functional studies and their clinical significance is uncertain. This variant has not been reported in the literature in individuals with RETREG1-related disease. This variant is not present in population databases (ExAC no frequency). This sequence change replaces lysine with glutamic acid at codon 278 of the RETREG1 protein (p.Lys278Glu). The lysine residue is moderately conserved and there is a small physicochemical difference between lysine and glutamic acid.